The following is an entry in ClinVar:

ClinVar aggregate classification (germline): Uncertain significance (1 of 4 stars; one submission).

Conditions:
Brachyolmia-amelogenesis imperfecta syndrome. Also called: PLATYSPONDYLY WITH AMELOGENESIS IMPERFECTA; Tooth agenesis, selective, 6; Dental anomalies and short stature. Identifiers: Orphanet 2899, MedGen C1832594, MONDO:0011018, OMIM 601216. Disease mechanism: loss of function.

Submission:

Labcorp Genetics (formerly Invitae), Labcorp
Classification: Uncertain significance for Brachyolmia-amelogenesis imperfecta syndrome. Last evaluated: 2023-10-04. Review status: criteria provided, single submitter. Criteria: Invitae Variant Classification Sherloc (09022015). Collection method: clinical testing. Allele origin: germline.
Comment: This sequence change replaces glycine, which is neutral and non-polar, with aspartic acid, which is acidic and polar, at codon 681 of the LTBP3 protein (p.Gly681Asp). This variant is not present in population databases (gnomAD no frequency). This variant has not been reported in the literature in individuals affected with LTBP3-related conditions. An algorithm developed to predict the effect of missense changes on protein structure and function (PolyPhen-2) suggests that this variant is likely to be disruptive. In summary, the available evidence is currently insufficient to determine the role of this variant in disease. Therefore, it has been classified as a Variant of Uncertain Significance.

NM_001130144.3(LTBP3):c.2042G>A (p.Gly681Asp)

Gene: LTBP3 (latent transforming growth factor beta binding protein 3; minus strand). Cytogenetic location: 11q13.1.
Variant type: single nucleotide variant.
Coding change: c.2042G>A on transcript NM_001130144.3 (MANE Select); coding-DNA position 2042, G replaced by A.
Protein change: p.Gly681Asp; replaces glycine 681 with aspartic acid.
Molecular consequence: missense variant.
Genome position (GRCh38, 1-based): chr11:65,547,504, C>T on the plus strand (G>A on the coding strand, the complement: LTBP3 is on the minus strand). VCF-style: chr11-65547504-C-T. GRCh37 (hg19) VCF-style: chr11-65314975-C-T.
Other names: c.2042G>A, p.Gly681Asp (NM_021070.4); c.1691G>A, p.Gly564Asp (NM_001164266.1); short protein forms G564D, G681D.
Identifiers: ClinVar variation 2798932 (VCV002798932.3), dbSNP rs1183696902, ClinGen allele CA381270965.